The following is an entry in ClinVar:

NM_001379110.1(SLC9A6):c.1777C>G (p.Gln593Glu)

Gene: SLC9A6 (solute carrier family 9 member A6; plus strand). Cytogenetic location: Xq26.3.
Variant type: single nucleotide variant.
Coding change: c.1777C>G on transcript NM_001379110.1 (MANE Select); coding-DNA position 1777, C replaced by G.
Protein change: p.Gln593Glu; replaces glutamine 593 with glutamic acid.
Molecular consequence: missense variant.
Genome position (GRCh38, 1-based): chrX:136,044,461, C>G. VCF-style: chrX-136044461-C-G. GRCh37 (hg19) VCF-style: chrX-135126620-C-G.
Other names: c.1843C>G, p.Gln615Glu (NM_001042537.2); c.1687C>G, p.Gln563Glu (NM_001177651.2, NM_001400909.1, NM_001400910.1 and 2 more transcripts); c.1591C>G, p.Gln531Glu (NM_001330652.2, NM_001400913.1); c.1747C>G, p.Gln583Glu (NM_006359.3); short protein forms Q531E, Q563E, Q583E, Q593E, Q615E.
Identifiers: ClinVar variation 2504766 (VCV002504766.3), dbSNP rs2521484199, ClinGen allele CA414756500.

ClinVar aggregate classification (germline): Uncertain significance. Review status: criteria provided, multiple submitters, no conflicts (2 of 4 stars). 2 submissions from 2 submitters: Uncertain significance (2). Last evaluated 2023-05-03.

Conditions:
Inborn genetic diseases. Identifiers: MedGen C0950123, MeSH D030342.

Submissions (2):

Ambry Genetics
Classification: Uncertain significance for Inborn genetic diseases. Last evaluated: 2023-05-03. Review status: criteria provided, single submitter. Criteria: Ambry Variant Classification Scheme 2023. Collection method: clinical testing. Allele origin: germline.

GeneDx
Classification: Uncertain significance. Last evaluated: 2022-12-07. Review status: criteria provided, single submitter. Criteria: GeneDx Variant Classification Process June 2021. Collection method: clinical testing. Allele origin: germline. Affected: yes.
Comment: Not observed at significant frequency in large population cohorts (gnomAD); In silico analysis supports that this missense variant does not alter protein structure/function; Has not been previously published as pathogenic or benign to our knowledge